The following is an entry in ClinVar:

NC_000009.11:g.(?_14737394)_(14868975_?)del

Gene: FREM1 (FRAS1 related extracellular matrix 1; minus strand). Cytogenetic location: 9p22.3.
Variant type: Deletion.
Identifiers: ClinVar variation 2427316 (VCV002427316.4).

ClinVar aggregate classification (germline): Pathogenic (1 of 4 stars; one submission).

Submission:

Labcorp Genetics (formerly Invitae), Labcorp
Classification: Pathogenic. Last evaluated: 2022-12-03. Review status: criteria provided, single submitter. Criteria: Invitae Variant Classification Sherloc (09022015). Collection method: clinical testing. Allele origin: germline.
Comment: For these reasons, this variant has been classified as Pathogenic. Isolated whole-gene deletions of FREM1 have not been reported in the literature. However, larger copy number events that include this gene have been reported (PMID: 21931569). A gross deletion of the genomic region encompassing the full coding sequence of the FREM1 gene has been identified. Loss-of-function variants in FREM1 are known to be pathogenic (PMID: 19732862, 21507892). The boundaries of this event are unknown as they extend beyond the assayed region for this gene and therefore may encompass additional genes.

Literature cited by the submitters: PubMed 21931569; PubMed 19732862; PubMed 21507892.